The following is an entry in ClinVar:

NM_000268.4(NF2):c.1029_1050del (p.Lys343fs)

Gene: NF2 (NF2, moesin-ezrin-radixin like (MERLIN) tumor suppressor; plus strand). Cytogenetic location: 22q12.2.
Variant type: Deletion.
Coding change: c.1029_1050del on transcript NM_000268.4 (MANE Select); coding-DNA positions 1029 to 1050, 22 bases deleted (GCAGATGAGGGAGGAGGCTGAA).
Protein change: p.Lys343fs; shifts the reading frame from lysine 343.
Molecular consequence: frameshift variant. On other transcripts: non-coding transcript variant (1), intron variant (1).
Genome position (GRCh38, 1-based): chr22:29,671,855-29,671,876, GCAGATGAGGGAGGAGGCTGAA deleted; deleting any 22 consecutive bases within chr22:29,671,852-29,671,876 gives the same sequence; the c. name uses the placement nearest the transcript's 3' end. VCF-style (leftmost placement, unchanged base first): chr22-29671851-AGAAGCAGATGAGGGAGGAGGCT-A. GRCh37 (hg19) VCF-style: chr22-30067840-AGAAGCAGATGAGGGAGGAGGCT-A.
Other names: c.915_936del22, p.Lys305Asnfs (NM_001407053.1, NM_001407056.1); c.906_927del22, p.Lys302Asnfs (NM_001407054.1, NM_001407058.1); c.903_924del22, p.Lys301Asnfs (NM_001407055.1); c.894_915del22, p.Lys298Asnfs (NM_001407057.1, NM_001407059.1); c.1029_1050del22, p.Lys343Asnfs (NM_001407060.1, NM_001407066.1); c.771_792del22, p.Lys257Asnfs (NM_001407062.1); c.780_801del22, p.Lys260Asnfs (NM_001407063.1, NM_001407064.1); c.495_516del22, p.Lys165Asnfs (NM_001407065.1); and 6 more; short protein forms K301fs, K302fs, K343fs, K260fs.
Identifiers: ClinVar variation 1770225 (VCV001770225.2), dbSNP rs2518665337, ClinGen allele CA2580099534.
Genomic context (GRCh38, chr22:29,671,851, plus strand): 5'-GTGATTCAATGACTGTTTTTCTTCACCCCTCGCAGATGGAGCGGCAGCGCCTCGCTCGAG[AGAAGCAGATGAGGGAGGAGGCT>A]GAACGCACGAGGGATGAGTTGGAGAGGAGGCTGCTGCAGATGAAAGAAGAAGCAACAATG-3'

ClinVar aggregate classification (germline): Pathogenic (1 of 4 stars; one submission).

Conditions:
Hereditary cancer-predisposing syndrome. Also called: Hereditary Cancer Syndrome; Hereditary neoplastic syndrome; Neoplastic Syndromes, Hereditary; Tumor predisposition. Identifiers: Orphanet 140162, MedGen C0027672, MeSH D009386, MONDO:0015356.

Submission:

Ambry Genetics
Classification: Pathogenic for Hereditary cancer-predisposing syndrome. Last evaluated: 2018-03-22. Review status: criteria provided, single submitter. Criteria: Ambry Variant Classification Scheme 2023. Collection method: clinical testing. Allele origin: germline.
Comment: The c.1029_1050del22 pathogenic mutation, located in coding exon 11 of the NF2 gene, results from a deletion of 22 nucleotides at nucleotide positions 1029 to 1050, causing a translational frameshift with a predicted alternate stop codon (p.K343Nfs*14). This alteration is expected to result in loss of function by premature protein truncation or nonsense-mediated mRNA decay. As such, this alteration is interpreted as a disease-causing mutation.